The following is an entry in ClinVar:

ClinVar aggregate classification (germline): Uncertain significance. Review status: criteria provided, multiple submitters, no conflicts (2 of 4 stars). 3 submissions from 3 submitters: Uncertain significance (3). Last evaluated 2024-07-17.

Conditions:
Hypogonadotropic hypogonadism 3 with or without anosmia (HH3). Also called: PROKR2-Related GnRH Deficiency (Kallmann Syndrome 3); HYPOGONADOTROPIC HYPOGONADISM 3 WITH ANOSMIA. Identifiers: Orphanet 478, MedGen C3550478, MONDO:0009482, OMIM 244200.

Submissions (3):

Labcorp Genetics (formerly Invitae), Labcorp
Classification: Uncertain significance. Last evaluated: 2024-07-17. Review status: criteria provided, single submitter. Criteria: Invitae Variant Classification Sherloc (09022015). Collection method: clinical testing. Allele origin: germline.
Comment: This variant, c.1131_1136del, results in the deletion of 2 amino acid(s) of the PROKR2 protein (p.Glu377_Val378del), but otherwise preserves the integrity of the reading frame. This variant is present in population databases (rs780145777, gnomAD 0.006%). This variant has not been reported in the literature in individuals affected with PROKR2-related conditions. Experimental studies and prediction algorithms are not available or were not evaluated, and the functional significance of this variant is currently unknown. In summary, the available evidence is currently insufficient to determine the role of this variant in disease. Therefore, it has been classified as a Variant of Uncertain Significance.

Fulgent Genetics
Classification: Uncertain significance for Hypogonadotropic hypogonadism 3 with or without anosmia. Last evaluated: 2024-06-17. Review status: criteria provided, single submitter. Criteria: ACMG Guidelines, 2015. Collection method: clinical testing. Allele origin: germline.

Blueprint Genetics
Classification: Uncertain significance. Last evaluated: 2020-05-11. Review status: criteria provided, single submitter. Criteria: ACMG Guidelines, 2015. Collection method: clinical testing. Allele origin: germline.

NM_144773.4(PROKR2):c.1131_1136del (p.Glu377_Val378del)

Gene: PROKR2 (prokineticin receptor 2; minus strand). Cytogenetic location: 20p12.3.
Variant type: Deletion.
Coding change: c.1131_1136del on transcript NM_144773.4 (MANE Select); coding-DNA positions 1131 to 1136, 6 bases deleted (GGTGGA; older notation c.1131_1136delGGTGGA).
Protein change: p.Glu377_Val378del.
Genome position (GRCh38, 1-based): chr20:5,302,059-5,302,064, TCCACC deleted on the plus strand (GGTGGA on the coding strand, the reverse complement: PROKR2 is on the minus strand); deleting any 6 consecutive bases within chr20:5,302,059-5,302,066 gives the same sequence; the c. name uses the placement nearest the transcript's 3' end. VCF-style (leftmost placement, unchanged base first): chr20-5302058-GTCCACC-G. GRCh37 (hg19) VCF-style: chr20-5282704-GTCCACC-G.
Identifiers: ClinVar variation 3587495 (VCV003587495.4).